The following is an entry in ClinVar:

NM_000361.3(THBD):c.815C>T (p.Ala272Val)

Gene: THBD (thrombomodulin; minus strand). Cytogenetic location: 20p11.21.
Variant type: single nucleotide variant.
Coding change: c.815C>T on transcript NM_000361.3 (MANE Select); coding-DNA position 815, C replaced by T.
Protein change: p.Ala272Val; replaces alanine 272 with valine.
Molecular consequence: missense variant.
Genome position (GRCh38, 1-based): chr20:23,048,690, G>A on the plus strand (C>T on the coding strand, the complement: THBD is on the minus strand). VCF-style: chr20-23048690-G-A. GRCh37 (hg19) VCF-style: chr20-23029327-G-A.
Other names: short protein forms A272V.
Identifiers: ClinVar variation 2056606 (VCV002056606.6), dbSNP rs764012702, ClinGen allele CA9787692.

ClinVar aggregate classification (germline): Uncertain significance. Review status: criteria provided, multiple submitters, no conflicts (2 of 4 stars). 3 submissions from 3 submitters: Uncertain significance (3). Last evaluated 2025-07-23.

Conditions:
Inborn genetic diseases. Identifiers: MedGen C0950123, MeSH D030342.

Allele frequency attached by ClinVar (database versions not stated): gnomAD 0.00001; gnomAD exomes 0.00001; TOPMed 0.00001; ExAC 0.00003.
gnomAD v4.1: 7 of 1,585,742 alleles (0.00044%); highest among the groups gnomAD compares: Admixed American, 0.0034%; no homozygotes.

Submissions (3):

Labcorp Genetics (formerly Invitae), Labcorp
Classification: Uncertain significance. Last evaluated: 2025-07-23. Review status: criteria provided, single submitter. Criteria: Invitae Variant Classification Sherloc (09022015). Collection method: clinical testing. Allele origin: germline.
Comment: This sequence change replaces alanine, which is neutral and non-polar, with valine, which is neutral and non-polar, at codon 272 of the THBD protein (p.Ala272Val). The frequency data for this variant in the population databases is considered unreliable, as metrics indicate poor data quality at this position in the gnomAD database. This variant has not been reported in the literature in individuals affected with THBD-related conditions. ClinVar contains an entry for this variant (Variation ID: 2056606). Invitae Evidence Modeling of protein sequence and biophysical properties (such as structural, functional, and spatial information, amino acid conservation, physicochemical variation, residue mobility, and thermodynamic stability) indicates that this missense variant is not expected to disrupt THBD protein function with a negative predictive value of 80%. In summary, the available evidence is currently insufficient to determine the role of this variant in disease. Therefore, it has been classified as a Variant of Uncertain Significance.

Blueprint Genetics
Classification: Uncertain significance. Last evaluated: 2024-11-19. Review status: criteria provided, single submitter. Criteria: ACMG Guidelines, 2015. Collection method: clinical testing. Allele origin: germline.

Ambry Genetics
Classification: Uncertain significance for Inborn genetic diseases. Last evaluated: 2023-11-15. Review status: criteria provided, single submitter. Criteria: Ambry Variant Classification Scheme 2023. Collection method: clinical testing. Allele origin: germline.